The following is an entry in ClinVar:

ClinVar aggregate classification (germline): Uncertain significance (1 of 4 stars; one submission).

Conditions:
RYR1-related disorder. Also called: RYR1-related condition; RYR1-related disorders. Identifiers: MedGen CN239331.

Submission:

Labcorp Genetics (formerly Invitae), Labcorp
Classification: Uncertain significance for RYR1-related disorder. Last evaluated: 2024-02-26. Review status: criteria provided, single submitter. Criteria: Invitae Variant Classification Sherloc (09022015). Collection method: clinical testing. Allele origin: germline.
Comment: This sequence change falls in intron 16 of the RYR1 gene. It does not directly change the encoded amino acid sequence of the RYR1 protein. It affects a nucleotide within the consensus splice site. This variant is not present in population databases (gnomAD no frequency). This variant has not been reported in the literature in individuals affected with RYR1-related conditions. Variants that disrupt the consensus splice site are a relatively common cause of aberrant splicing (PMID: 17576681, 9536098). Algorithms developed to predict the effect of sequence changes on RNA splicing suggest that this variant may disrupt the consensus splice site. In summary, the available evidence is currently insufficient to determine the role of this variant in disease. Therefore, it has been classified as a Variant of Uncertain Significance.

Literature cited by the submitters: PubMed 17576681; PubMed 9536098.

NM_000540.3(RYR1):c.1791+5G>A

Gene: RYR1 (ryanodine receptor 1; plus strand). Cytogenetic location: 19q13.2.
Variant type: single nucleotide variant.
Coding change: c.1791+5G>A on transcript NM_000540.3 (MANE Select); 5 bases into the intron after coding-DNA position 1791, G replaced by A.
Molecular consequence: intron variant.
Genome position (GRCh38, 1-based): chr19:38,455,756, G>A. VCF-style: chr19-38455756-G-A. GRCh37 (hg19) VCF-style: chr19-38946396-G-A.
Other names: c.1791+5G>A (NM_001042723.2).
Identifiers: ClinVar variation 3673819 (VCV003673819.2).